The following is an entry in ClinVar:

ClinVar aggregate classification (germline): Pathogenic/Likely pathogenic. Review status: criteria provided, multiple submitters, no conflicts (2 of 4 stars). 2 submissions from 2 submitters: Pathogenic (1); Likely pathogenic (1). Last evaluated 2024-09-01.

Conditions:
Treacher Collins syndrome 1 (TCS1). Also called: TCOF1-Related Treacher Collins Syndrome. Identifiers: Orphanet 861, MedGen CN315775, MONDO:0007944, OMIM 154500.

Submissions (2):

Labcorp Genetics (formerly Invitae), Labcorp
Classification: Pathogenic for Treacher Collins syndrome 1. Last evaluated: 2024-09-01. Review status: criteria provided, single submitter. Criteria: Invitae Variant Classification Sherloc (09022015). Collection method: clinical testing. Allele origin: germline.
Comment: This sequence change creates a premature translational stop signal (p.Lys1447Glufs*23) in the TCOF1 gene. It is expected to result in an absent or disrupted protein product. Loss-of-function variants in TCOF1 are known to be pathogenic (PMID: 8894686, 22317976). This variant is not present in population databases (gnomAD no frequency). This premature translational stop signal has been observed in individual(s) with Treacher Collins syndrome (PMID: 9042910). It has also been observed to segregate with disease in related individuals. This variant is also known as nt4108 del(AA). ClinVar contains an entry for this variant (Variation ID: 1070760). For these reasons, this variant has been classified as Pathogenic.

GeneDx
Classification: Likely pathogenic. Last evaluated: 2021-03-24. Review status: criteria provided, single submitter. Criteria: GeneDx Variant Classification Process June 2021. Collection method: clinical testing. Allele origin: germline. Affected: yes.
Comment: Frameshift variant predicted to result in protein truncation, as the last 42 amino acids are replaced with 22 different amino acids, and other loss-of-function variants have been reported downstream in the Human Gene Mutation Database (Stenson et al., 2014); Not observed in large population cohorts (Lek et al., 2016); This variant is associated with the following publications: (PMID: 9042910)

Literature cited by the submitters: PubMed 8894686 (cited by Labcorp Genetics (formerly Invitae), Labcorp); PubMed 22317976 (cited by Labcorp Genetics (formerly Invitae), Labcorp); PubMed 9042910 (cited by Labcorp Genetics (formerly Invitae), Labcorp).

NM_001371623.1(TCOF1):c.4342_4343del (p.Lys1448fs)

Gene: TCOF1 (treacle ribosome biogenesis factor 1; plus strand). Cytogenetic location: 5q32.
Variant type: Deletion.
Coding change: c.4342_4343del on transcript NM_001371623.1 (MANE Select); coding-DNA positions 4342 to 4343, 2 bases deleted (AA; older notation c.4342_4343delAA).
Protein change: p.Lys1448fs; shifts the reading frame from lysine 1448.
Molecular consequence: frameshift variant.
Genome position (GRCh38, 1-based): chr5:150,396,839-150,396,840, AA deleted. VCF-style (leftmost placement, unchanged base first): chr5-150396838-CAA-C. GRCh37 (hg19) VCF-style: chr5-149776401-CAA-C.
Other names: c.4108_4109del, p.Lys1370fs (NM_000356.4); c.4339_4340del, p.Lys1447fs (NM_001135243.2); c.4228_4229del, p.Lys1410fs (NM_001135244.2); c.4111_4112del, p.Lys1371fs (NM_001135245.2); c.4225_4226del, p.Lys1409fs (NM_001195141.2); short protein forms K1370fs, K1371fs, K1409fs, K1410fs, K1447fs, K1448fs.
Identifiers: ClinVar variation 1070760 (VCV001070760.11), dbSNP rs2151108281, ClinGen allele CA2499217739.